The following is an entry in ClinVar:

ClinVar aggregate classification (germline): Uncertain significance (1 of 4 stars; one submission).

Conditions:
Facial palsy, congenital, with ptosis and velopharyngeal dysfunction. Identifiers: MedGen C4540277, MONDO:0060589, OMIM 617732.

Allele frequency attached by ClinVar (database versions not stated): gnomAD exomes below 0.00001.
gnomAD v4.1: 3 of 1,614,150 alleles (0.00019%); highest among the groups gnomAD compares: Non-Finnish European, 0.00017%; no homozygotes.

Submission:

Broad Center for Mendelian Genomics, Broad Institute of MIT and Harvard
Classification: Uncertain significance for Facial palsy, congenital, with ptosis and velopharyngeal dysfunction. Last evaluated: 2024-03-12. Review status: criteria provided, single submitter. Criteria: ACMG Guidelines, 2015. Collection method: curation. Allele origin: germline. Inheritance: Autosomal dominant inheritance.
Comment: The two siblings inherited the p.Glu410Lys variant from their unaffected father, whose brother (unsequenced) was affected with astigmatism and amblyopia, suggesting incomplete penetrance and variable expressivity within this family. The p.Glu410Lys variant in TUBB6 has not been previously reported in individuals with congenital facial palsy with ptosis and velopharyngeal dysfunction. This variant was absent from large population studies. Computational prediction tools and conservation analyses suggest that this variant may impact the protein, though this information is not predictive enough to determine pathogenicity. In summary, the clinical significance of the p.Glu410Lys variant is uncertain. ACMG/AMP Criteria applied: PM2_Supporting, PP3 (Richards 2015).

Literature cited by the submitters: PubMed 39033378.

NM_032525.3(TUBB6):c.1228G>A (p.Glu410Lys)

Gene: TUBB6 (tubulin beta 6 class V; plus strand). Cytogenetic location: 18p11.21.
Variant type: single nucleotide variant.
Coding change: c.1228G>A on transcript NM_032525.3 (MANE Select); coding-DNA position 1228, G replaced by A.
Protein change: p.Glu410Lys; replaces glutamic acid 410 with lysine.
Molecular consequence: missense variant. On other transcripts: intron variant (1).
Genome position (GRCh38, 1-based): chr18:12,326,017, G>A. VCF-style: chr18-12326017-G-A. GRCh37 (hg19) VCF-style: chr18-12326016-G-A.
Other names: NM_001303530.3:c.790G>A; c.1228G>A, p.Glu410Lys (NM_001303524.1); c.1117G>A, p.Glu373Lys (NM_001303526.2); c.1012G>A, p.Glu338Lys (NM_001303527.2); c.1033G>A, p.Glu345Lys (NM_001303528.2); c.790G>A, p.Glu264Lys (NM_001303529.3, NM_001303530.3); c.278-3129G>A (NM_001303525.2); short protein forms E264K, E338K, E345K, E373K, E410K.
Identifiers: ClinVar variation 3061813 (VCV003061813.1), dbSNP rs1907301329, ClinGen allele CA401947550.